The following is an entry in ClinVar:

NM_020207.7(ERCC6L2):c.4016T>G (p.Phe1339Cys)

Gene: ERCC6L2 (ERCC excision repair 6 like 2; plus strand). Cytogenetic location: 9q22.32.
Variant type: single nucleotide variant.
Coding change: c.4016T>G on transcript NM_020207.7 (MANE Select); coding-DNA position 4016, T replaced by G.
Protein change: p.Phe1339Cys; replaces phenylalanine 1339 with cysteine.
Molecular consequence: missense variant. On other transcripts: non-coding transcript variant (1), intron variant (2).
Genome position (GRCh38, 1-based): chr9:96,012,566, T>G. VCF-style: chr9-96012566-T-G. GRCh37 (hg19) VCF-style: chr9-98774848-T-G.
Other names: c.3674+7865T>G (NM_001375291.1, NM_001375292.1); short protein forms F1339C.
Identifiers: ClinVar variation 1929244 (VCV001929244.3), dbSNP rs774049286, ClinGen allele CA5140034.

ClinVar aggregate classification (germline): Uncertain significance (1 of 4 stars; one submission).

Allele frequency attached by ClinVar (database versions not stated): TOPMed below 0.00001; gnomAD exomes 0.00003; ExAC 0.00007.
gnomAD v4.1: 31 of 1,367,438 alleles (0.0023%); highest among the groups gnomAD compares: South Asian, 0.034%; no homozygotes.

Submission:

Labcorp Genetics (formerly Invitae), Labcorp
Classification: Uncertain significance. Last evaluated: 2025-02-03. Review status: criteria provided, single submitter. Criteria: Invitae Variant Classification Sherloc (09022015). Collection method: clinical testing. Allele origin: germline.
Comment: This sequence change replaces phenylalanine, which is neutral and non-polar, with cysteine, which is neutral and slightly polar, at codon 1350 of the ERCC6L2 protein (p.Phe1350Cys). This variant is present in population databases (rs774049286, gnomAD 0.03%). This variant has not been reported in the literature in individuals affected with ERCC6L2-related conditions. ClinVar contains an entry for this variant (Variation ID: 1929244). Experimental studies and prediction algorithms are not available or were not evaluated, and the functional significance of this variant is currently unknown. In summary, the available evidence is currently insufficient to determine the role of this variant in disease. Therefore, it has been classified as a Variant of Uncertain Significance.